The following is an entry in ClinVar:

NM_001042492.3(NF1):c.7534G>T (p.Gly2512Cys)

Gene: NF1 (neurofibromin 1; plus strand). Cytogenetic location: 17q11.2.
Variant type: single nucleotide variant.
Coding change: c.7534G>T on transcript NM_001042492.3 (MANE Select); coding-DNA position 7534, G replaced by T.
Protein change: p.Gly2512Cys; replaces glycine 2512 with cysteine.
Molecular consequence: missense variant.
Genome position (GRCh38, 1-based): chr17:31,352,333, G>T. VCF-style: chr17-31352333-G-T. GRCh37 (hg19) VCF-style: chr17-29679351-G-T.
Other names: c.7471G>T, p.Gly2491Cys (NM_000267.4); short protein forms G2512C, G2491C.
Identifiers: ClinVar variation 4005454 (VCV004005454.1).
Genomic context (GRCh38, chr17:31,352,333, plus strand): 5'-CAGCCATGGTCCTCTCCCAAAGGTTCTGAAGGATACCTTGCAGCCACCTATCCAACTGTC[G>T]GCCAGACCAGTCCCCGAGCCAGGAAATCCATGAGCCTGGACATGGGGCAACCTTCTCAGG-3'
Protein context (NP_001035957.1, residues 2502-2522): GYLAATYPTV[Gly2512Cys]QTSPRARKSM

ClinVar aggregate classification (germline): Uncertain significance (1 of 4 stars; one submission).

Conditions:
Cardiovascular phenotype. Identifiers: MedGen CN230736.
Hereditary cancer-predisposing syndrome. Also called: Tumor predisposition; Hereditary neoplastic syndrome; Neoplastic Syndromes, Hereditary; Hereditary Cancer Syndrome. Identifiers: Orphanet 140162, MedGen C0027672, MeSH D009386, MONDO:0015356.

Submission:

Ambry Genetics
Classification: Uncertain significance for Cardiovascular phenotype; Hereditary cancer-predisposing syndrome. Last evaluated: 2025-04-16. Review status: criteria provided, single submitter. Criteria: Ambry Variant Classification Scheme 2023. Collection method: clinical testing. Allele origin: germline.
Comment: The p.G2491C variant (also known as c.7471G>T), located in coding exon 50 of the NF1 gene, results from a G to T substitution at nucleotide position 7471. The glycine at codon 2491 is replaced by cysteine, an amino acid with highly dissimilar properties. This amino acid position is highly conserved in available vertebrate species. In addition, the in silico prediction for this alteration is inconclusive. Based on the available evidence, the clinical significance of this variant remains unclear.